The following is an entry in ClinVar:

ClinVar aggregate classification (germline): Pathogenic/Likely pathogenic. Review status: criteria provided, multiple submitters, no conflicts (2 of 4 stars). 2 submissions from 2 submitters: Pathogenic (1); Likely pathogenic (1). Last evaluated 2025-11-17.

Conditions:
Tay-Sachs disease (TSD). Also called: HEXA DEFICIENCY; GM2 gangliosidosis, type 1; Hexosaminidase alpha-subunit deficiency (variant B); Sphingolipidosis, Tay-Sachs; Hexosaminidase A Deficiency; HEXA Disorders. Identifiers: Orphanet 845, MedGen C0039373, MONDO:0010100, OMIM 272800.

Submissions (2):

Natera, Inc.
Classification: Likely pathogenic for Tay-Sachs disease. Last evaluated: 2025-11-17. Review status: criteria provided, single submitter. Criteria: Natera Variant Classification Schema (03/2026). Collection method: clinical testing. Allele origin: germline.
Comment: The c.1160_1161delCA variant in HEXA is a frameshift variant predicted to shift the reading frame beginning at codon 387 and leads to a stop codon 43 codons downstream. This variant is expected to result in nonsense mediated decay, truncation, or a dysfunctional protein product. This variant is rare in the general population with a frequency below the threshold expected for the associated phenotype(s). Given the available evidence, this variant is classified as Likely Pathogenic.

Labcorp Genetics (formerly Invitae), Labcorp
Classification: Pathogenic for Tay-Sachs disease. Last evaluated: 2023-12-12. Review status: criteria provided, single submitter. Criteria: Invitae Variant Classification Sherloc (09022015). Collection method: clinical testing. Allele origin: germline.
Comment: This sequence change creates a premature translational stop signal (p.Thr387Asnfs*43) in the HEXA gene. It is expected to result in an absent or disrupted protein product. Loss-of-function variants in HEXA are known to be pathogenic (PMID: 1833974, 8490625). This variant is not present in population databases (gnomAD no frequency). This premature translational stop signal has been observed in individual(s) with leukodystrophy (PMID: 31130284). For these reasons, this variant has been classified as Pathogenic.

Literature cited by the submitters: PubMed 1833974 (cited by Labcorp Genetics (formerly Invitae), Labcorp); PubMed 8490625 (cited by Labcorp Genetics (formerly Invitae), Labcorp); PubMed 31130284 (cited by Labcorp Genetics (formerly Invitae), Labcorp).

NM_000520.6(HEXA):c.1160_1161del (p.Thr387fs)

Gene: HEXA (hexosaminidase subunit alpha; minus strand). Cytogenetic location: 15q23.
Variant type: Microsatellite.
Coding change: c.1160_1161del on transcript NM_000520.6 (MANE Select); coding-DNA positions 1160 to 1161, 2 bases deleted (CA; older notation c.1160_1161delCA).
Protein change: p.Thr387fs; shifts the reading frame from threonine 387.
Molecular consequence: frameshift variant.
Genome position (GRCh38, 1-based): chr15:72,346,696-72,346,697, TG deleted on the plus strand (CA on the coding strand, the reverse complement: HEXA is on the minus strand); deleting any 2 consecutive bases within chr15:72,346,696-72,346,700 gives the same sequence; the c. name uses the placement nearest the transcript's 3' end. VCF-style (leftmost placement, unchanged base first): chr15-72346695-TTG-T. GRCh37 (hg19) VCF-style: chr15-72639036-TTG-T.
Other names: c.1193_1194del, p.Thr398fs (NM_001318825.2); c.1160_1161delCA (NM_000520.5); short protein forms T398fs, T387fs.
Identifiers: ClinVar variation 2895307 (VCV002895307.4), dbSNP rs2542514845, ClinGen allele CA2695220946.
Genomic context (GRCh38, chr15:72,346,695, plus strand): 5'-TGACCAGTTCCAGCTCCTTCATATAGTTCACTGGAATATCCTCTCGCCACACCTGTATGA[TTG>T]TGTCTGGCTGAATCTGTTATAAAAGGTCAAATGGCAGTAAGGACACAAAGCTGAGGAGAT-3'